The following is an entry in ClinVar:

NM_001267550.2(TTN):c.46374_46375dup (p.Glu15459fs)

Genes: TTN-AS1 (TTN antisense RNA 1; plus strand), TTN (titin; minus strand). Cytogenetic location: 2q31.2.
Variant type: Microsatellite.
Coding change: c.46374_46375dup on transcript NM_001267550.2 (MANE Select); coding-DNA positions 46374 to 46375, 2 bases duplicated (TG; older notation c.46374_46375dupTG).
Protein change: p.Glu15459fs; shifts the reading frame from glutamic acid 15459.
Molecular consequence: frameshift variant. On other transcripts: non-coding transcript variant (1).
Genome position (GRCh38, 1-based): chr2:178,620,042-178,620,043, CA duplicated on the plus strand (TG on the coding strand, the reverse complement: TTN is on the minus strand); duplicating any 2 consecutive bases within chr2:178,620,042-178,620,046 gives the same sequence; the c. name uses the placement nearest the transcript's 3' end. VCF-style (leftmost placement, unchanged base first): chr2-178620041-T-TCA. GRCh37 (hg19) VCF-style: chr2-179484768-T-TCA.
Other names: c.41451_41452dup, p.Glu13818fs (NM_001256850.1); c.19179_19180dup, p.Glu6394fs (NM_003319.4); c.38670_38671dup, p.Glu12891fs (NM_133378.4); c.19554_19555dup, p.Glu6519fs (NM_133432.3); c.19755_19756dup, p.Glu6586fs (NM_133437.4); c.19179_19180dupTG (NM_003319.4); short protein forms E6586fs, E13818fs, E12891fs, E15459fs, E6394fs, E6519fs.
Identifiers: ClinVar variation 1439062 (VCV001439062.8), dbSNP rs2154210696, ClinGen allele CA2580614517.

ClinVar aggregate classification (germline): Likely pathogenic. Review status: criteria provided, multiple submitters, no conflicts (2 of 4 stars). 2 submissions from 2 submitters: Likely pathogenic (2). Last evaluated 2024-10-18.

Conditions:
Cardiovascular phenotype. Identifiers: MedGen CN230736.
Dilated cardiomyopathy 1G (CMD1G). Identifiers: Orphanet 154, MedGen C1858763, MONDO:0011400, OMIM 604145.
Autosomal recessive limb-girdle muscular dystrophy type 2J (LGMDR10). Also called: Limb-girdle muscular dystrophy, type 2J; MUSCULAR DYSTROPHY, LIMB-GIRDLE, AUTOSOMAL RECESSIVE 10. Identifiers: Orphanet 140922, MedGen C1837342, MONDO:0012127, OMIM 608807.

Submissions (2):

Labcorp Genetics (formerly Invitae), Labcorp
Classification: Likely pathogenic for Dilated cardiomyopathy 1G; Autosomal recessive limb-girdle muscular dystrophy type 2J. Last evaluated: 2024-10-18. Review status: criteria provided, single submitter. Criteria: Invitae Variant Classification Sherloc (09022015). Collection method: clinical testing. Allele origin: germline.
Comment: This sequence change creates a premature translational stop signal (p.Glu15459Valfs*7) in the TTN gene. While this is not anticipated to result in nonsense mediated decay, it is expected to create a truncated TTN protein. This variant is not present in population databases (gnomAD no frequency). This variant has not been observed in the literature in individuals with autosomal recessive TTN-related conditions. This variant has been reported in individual(s) with autosomal dominant dilated cardiomyopathy (internal data); however, the role of the variant in this condition is currently unclear. ClinVar contains an entry for this variant (Variation ID: 1439062). Algorithms developed to predict the effect of sequence changes on RNA splicing suggest that this variant may disrupt the consensus splice site. This variant is located in the I band of TTN (PMID: 25589632). Truncating variants in this region have been reported in individuals affected with autosomal recessive centronuclear myopathy (PMID: 23975875, internal data). Truncating variants in this region have also been identified in individuals affected with autosomal dominant dilated cardiomyopathy and/or cardio-related conditions (PMID: 27869827, 32964742, internal data). In summary, the currently available evidence indicates that the variant is pathogenic, but additional data are needed to prove that conclusively. Therefore, this variant has been classified as Likely Pathogenic.

Ambry Genetics
Classification: Likely pathogenic for Cardiovascular phenotype. Last evaluated: 2020-03-11. Review status: criteria provided, single submitter. Criteria: Ambry Variant Classification Scheme 2023. Collection method: clinical testing. Allele origin: germline.
Comment: The c.19179_19180dupTG variant, located in coding exon 76 of the TTN gene, results from a duplication of TG at nucleotide position 19179, causing a translational frameshift with a predicted alternate stop codon (p.E6394Vfs*7). This exon is located in the I-band region of the N2-B isoform of the titin protein and is constitutively expressed in TTN transcripts (percent spliced in or PSI 100%). This alteration is expected to result in loss of function by premature protein truncation or nonsense-mediated mRNA decay. While truncating variants in TTN are present in 1-3% of the general population, truncating variants in the A-band are the most common cause of dilated cardiomyopathy (DCM) (Herman DS et al. N. Engl. J. Med., 2012 Feb;366:619-28; Roberts AM et al. Sci Transl Med, 2015 Jan;7:270ra6). TTN truncating variants encoded in constitutive exons (PSI >90%) have been found to be significantly associated with DCM regardless of their position in titin (Schafer S et al. Nat. Genet., 2017 01;49:46-53). As such, this alteration is classified as likely pathogenic.

Literature cited by the submitters: PubMed 25589632 (cited by Labcorp Genetics (formerly Invitae), Labcorp); PubMed 23975875 (cited by Labcorp Genetics (formerly Invitae), Labcorp); PubMed 27869827 (cited by Labcorp Genetics (formerly Invitae), Labcorp); PubMed 32964742 (cited by Labcorp Genetics (formerly Invitae), Labcorp).